The following is an entry in ClinVar:

ClinVar aggregate classification (germline): Uncertain significance (1 of 4 stars; one submission).

Conditions:
Marfan syndrome (MFS). Also called: FBN1-Related Marfan Syndrome; MARFAN SYNDROME, TYPE I; Marfan syndrome type 1; Marfan's syndrome; Marfan syndrome, classic. Identifiers: Orphanet 284963, Orphanet 558, MedGen C0024796, MONDO:0007947, OMIM 154700.
Familial thoracic aortic aneurysm and aortic dissection (TAAD). Also called: Thoracic aortic aneurysms and dissections. Identifiers: Orphanet 91387, MedGen C4707243, MONDO:0019625.

Submission:

Labcorp Genetics (formerly Invitae), Labcorp
Classification: Uncertain significance for Marfan syndrome; Familial thoracic aortic aneurysm and aortic dissection. Last evaluated: 2025-02-04. Review status: criteria provided, single submitter. Criteria: Invitae Variant Classification Sherloc (09022015). Collection method: clinical testing. Allele origin: germline.
Comment: This sequence change replaces glutamic acid, which is acidic and polar, with aspartic acid, which is acidic and polar, at codon 740 of the FBN1 protein (p.Glu740Asp). This variant is not present in population databases (gnomAD no frequency). This variant has not been reported in the literature in individuals affected with FBN1-related conditions. Invitae Evidence Modeling of protein sequence and biophysical properties (such as structural, functional, and spatial information, amino acid conservation, physicochemical variation, residue mobility, and thermodynamic stability) has been performed for this missense variant. However, the output from this modeling did not meet the statistical confidence thresholds required to predict the impact of this variant on FBN1 protein function. In summary, the available evidence is currently insufficient to determine the role of this variant in disease. Therefore, it has been classified as a Variant of Uncertain Significance.

NM_000138.5(FBN1):c.2220A>C (p.Glu740Asp)

Gene: FBN1 (fibrillin 1; minus strand). Cytogenetic location: 15q21.1.
Variant type: single nucleotide variant.
Coding change: c.2220A>C on transcript NM_000138.5 (MANE Select); coding-DNA position 2220, A replaced by C.
Protein change: p.Glu740Asp; replaces glutamic acid 740 with aspartic acid.
Molecular consequence: missense variant.
Genome position (GRCh38, 1-based): chr15:48,497,339, T>G on the plus strand (A>C on the coding strand, the complement: FBN1 is on the minus strand). VCF-style: chr15-48497339-T-G. GRCh37 (hg19) VCF-style: chr15-48789536-T-G.
Other names: c.2220A>C, p.Glu740Asp (NM_001406716.1); short protein forms E740D.
Identifiers: ClinVar variation 4789666 (VCV004789666.1).
Genomic context (GRCh38, chr15:48,497,339, plus strand): 5'-CCCAGTTGAATCCACTTCATATCCTGAATTGCATATACATTTATAGGTCCCACGAAGGTT[T>G]TCACAGATTCCATTTGGGCAAATATCAGGATCTAGTGCACATTCATTTATATCTGCACCA-3'
Protein context (NP_000129.3, residues 730-750): DPDICPNGIC[Glu740Asp]NLRGTYKCIC